The following is an entry in ClinVar:

ClinVar aggregate classification (germline): Uncertain significance. Review status: criteria provided, multiple submitters, no conflicts (2 of 4 stars). 2 submissions from 2 submitters: Uncertain significance (2). Last evaluated 2025-04-10.

Allele frequency attached by ClinVar (database versions not stated): gnomAD 0.00010; ESP Exome Variant Server 0.00008; ExAC 0.00008; TOPMed 0.00012.
gnomAD v4.1: 39 of 1,611,428 alleles (0.0024%); highest among the groups gnomAD compares: Middle Eastern, 0.033%; no homozygotes.

Submissions (2):

Ambry Genetics
Classification: Uncertain significance. Last evaluated: 2025-04-10. Review status: criteria provided, single submitter. Criteria: Ambry Variant Classification Scheme 2023. Collection method: clinical testing. Allele origin: germline.

Labcorp Genetics (formerly Invitae), Labcorp
Classification: Uncertain significance. Last evaluated: 2024-06-25. Review status: criteria provided, single submitter. Criteria: Invitae Variant Classification Sherloc (09022015). Collection method: clinical testing. Allele origin: germline.
Comment: This sequence change replaces arginine, which is basic and polar, with histidine, which is basic and polar, at codon 135 of the LIPC protein (p.Arg135His). This variant is present in population databases (rs372054789, gnomAD 0.02%). This missense change has been observed in individual(s) with LIPC-related conditions (PMID: 36325899). ClinVar contains an entry for this variant (Variation ID: 2060462). Advanced modeling of protein sequence and biophysical properties (such as structural, functional, and spatial information, amino acid conservation, physicochemical variation, residue mobility, and thermodynamic stability) performed at Invitae indicates that this missense variant is not expected to disrupt LIPC protein function with a negative predictive value of 80%. In summary, the available evidence is currently insufficient to determine the role of this variant in disease. Therefore, it has been classified as a Variant of Uncertain Significance.

Literature cited by the submitters: PubMed 36325899 (cited by Labcorp Genetics (formerly Invitae), Labcorp).

NM_000236.3(LIPC):c.404G>A (p.Arg135His)

Gene: LIPC (lipase C, hepatic type; plus strand). Cytogenetic location: 15q21.3.
Variant type: single nucleotide variant.
Coding change: c.404G>A on transcript NM_000236.3 (MANE Select); coding-DNA position 404, G replaced by A.
Protein change: p.Arg135His; replaces arginine 135 with histidine.
Molecular consequence: missense variant.
Genome position (GRCh38, 1-based): chr15:58,541,915, G>A. VCF-style: chr15-58541915-G-A. GRCh37 (hg19) VCF-style: chr15-58834114-G-A.
Other names: c.404G>A (NM_000236.2); short protein forms R135H.
Identifiers: ClinVar variation 2060462 (VCV002060462.7), dbSNP rs372054789, ClinGen allele CA7584830.
Genomic context (GRCh38, chr15:58,541,915, plus strand): 5'-TGAACGTGGGGCTGGTGGACTGGATCACCCTGGCCCACGACCACTACACCATCGCCGTCC[G>A]CAACACCCGCCTTGTGGGCAAGGAGGTCGCGGCTCTTCTCCGGTGGCTGGAGGTACCGAC-3'
Protein context (NP_000227.2, residues 125-145): LAHDHYTIAV[Arg135His]NTRLVGKEVA